The following is an entry in ClinVar:

NM_001611.5(ACP5):c.621C>T (p.Pro207=)

Gene: ACP5 (acid phosphatase 5, tartrate resistant; minus strand). Cytogenetic location: 19p13.2.
Variant type: single nucleotide variant.
Coding change: c.621C>T on transcript NM_001611.5 (MANE Select); coding-DNA position 621, C replaced by T.
Protein change: p.Pro207=; no amino-acid change (proline 207 retained).
Molecular consequence: synonymous variant.
Genome position (GRCh38, 1-based): chr19:11,576,357, G>A on the plus strand (C>T on the coding strand, the complement: ACP5 is on the minus strand). VCF-style: chr19-11576357-G-A. GRCh37 (hg19) VCF-style: chr19-11687172-G-A.
Other names: c.621C>T, p.Pro207= (NM_001111034.3, NM_001111035.3, NM_001111036.3 and 1 more transcripts).
Identifiers: ClinVar variation 770283 (VCV000770283.11), dbSNP rs372107388, ClinGen allele CA9215372.
Genomic context (GRCh38, chr19:11,576,357, plus strand): 5'-CAGTGGCCGTAGCTGCTTGACCAGGCAGTGGGTAGGCCCGTGCTCGGCTATGGACCACAC[G>A]GGGTAGTGGCCAGCCACCAGCACGTAGTCCTCCCTGGCCGCCGCCAGCTGTTTCTTGAGC-3'
Protein context (NP_001602.1, residues 197-217): EDYVLVAGHY[Pro207=]VWSIAEHGPT

ClinVar aggregate classification (germline): Likely benign. Review status: criteria provided, single submitter (1 of 4 stars). 2 submissions from 2 submitters: Likely benign (1). 1 of the submissions does not count toward it. Last evaluated 2025-12-10.

Conditions:
Spondyloenchondrodysplasia with immune dysregulation (SPENCDI). Also called: SPONDYLOENCHONDRODYSPLASIA WITH OR WITHOUT IMMUNE DYSREGULATION; ROIFMAN IMMUNOSKELETAL SYNDROME; COMBINED IMMUNODEFICIENCY WITH AUTOIMMUNITY AND SPONDYLOMETAPHYSEAL DYSPLASIA. Identifiers: Orphanet 1855, MedGen C1842763, MONDO:0011939, OMIM 607944.
ACP5-related disorder. Also called: ACP5-related condition.

Allele frequency attached by ClinVar (database versions not stated): gnomAD 0.00002 and 0.00003; TOPMed 0.00005; ExAC 0.00008; ESP Exome Variant Server 0.00008; gnomAD exomes 0.00014.
gnomAD v4.1: 57 of 1,610,260 alleles (0.0035%); highest among the groups gnomAD compares: Admixed American, 0.06%; no homozygotes.

Submissions (2):

Labcorp Genetics (formerly Invitae), Labcorp
Classification: Likely benign for Spondyloenchondrodysplasia with immune dysregulation. Last evaluated: 2025-12-10. Review status: criteria provided, single submitter. Criteria: Invitae Variant Classification Sherloc (09022015). Collection method: clinical testing. Allele origin: germline.

PreventionGenetics, part of Exact Sciences
Classification: Likely benign for ACP5-related condition. Last evaluated: 2020-02-14. Review status: no assertion criteria provided. Collection method: clinical testing. Allele origin: germline. Not counted in ClinVar's aggregate classification.
Comment: This variant is classified as likely benign based on ACMG/AMP sequence variant interpretation guidelines (Richards et al. 2015 PMID: 25741868, with internal and published modifications).